The following is an entry in ClinVar:

NM_007078.3(LDB3):c.1654G>A (p.Gly552Ser)

Gene: LDB3 (LIM domain binding 3; plus strand). Cytogenetic location: 10q23.2.
Variant type: single nucleotide variant.
Coding change: c.1654G>A on transcript NM_007078.3 (MANE Select); coding-DNA position 1654, G replaced by A.
Protein change: p.Gly552Ser; replaces glycine 552 with serine.
Molecular consequence: missense variant.
Genome position (GRCh38, 1-based): chr10:86,716,749, G>A. VCF-style: chr10-86716749-G-A. GRCh37 (hg19) VCF-style: chr10-88476506-G-A.
Other names: c.1324G>A, p.Gly442Ser (NM_001080114.2); c.1669G>A, p.Gly557Ser (NM_001171610.2); c.1465G>A, p.Gly489Ser (NM_001368064.1, NM_001368065.1); c.1513G>A, p.Gly505Ser (NM_001368066.1); short protein forms G505S, G489S, G552S, G442S, G557S.
Identifiers: ClinVar variation 1042070 (VCV001042070.27), dbSNP rs771007816, ClinGen allele CA5585196.
Genomic context (GRCh38, chr10:86,716,749, plus strand): 5'-GCCAGGGGGACCGTCCAGAGGGCTGAGCGATTCCCAGCCAGCAGCCGGACTCCACTCTGC[G>A]GTCACTGCAACAATGTCATCCGGTATGGTCCAGCTGTGCCCCTGCACTGGGGCACTGGAA-3'
Protein context (NP_009009.1, residues 542-562): FPASSRTPLC[Gly552Ser]HCNNVIRGPF

ClinVar aggregate classification (germline): Uncertain significance. Review status: criteria provided, multiple submitters, no conflicts (2 of 4 stars). 3 submissions from 3 submitters: Uncertain significance (3). Last evaluated 2025-11-27.

Conditions:
Cardiovascular phenotype. Identifiers: MedGen CN230736.
Myofibrillar myopathy 4. Also called: Zaspopathy (type). Identifiers: Orphanet 98912, MedGen C4721886, MONDO:0012277, OMIM 609452.

Allele frequency attached by ClinVar (database versions not stated): TOPMed 0.00003; gnomAD 0.00004 and 0.00005.
gnomAD v4.1: 72 of 1,611,438 alleles (0.0045%); highest among the groups gnomAD compares: Non-Finnish European, 0.0056%; no homozygotes.

Submissions (3):

Labcorp Genetics (formerly Invitae), Labcorp
Classification: Uncertain significance for Myofibrillar myopathy 4. Last evaluated: 2025-11-27. Review status: criteria provided, single submitter. Criteria: Invitae Variant Classification Sherloc (09022015). Collection method: clinical testing. Allele origin: germline.
Comment: The LDB3 gene has multiple clinically relevant transcripts. This variant occurs in alternate transcript NM_007078.3, and corresponds to NM_001080116.1:c.*17375G>A in the primary transcript. This sequence change replaces glycine, which is neutral and non-polar, with serine, which is neutral and polar, at codon 552 of the LDB3 protein (p.Gly552Ser). This variant is present in population databases (rs771007816, gnomAD 0.006%). This variant has not been reported in the literature in individuals affected with LDB3-related conditions. ClinVar contains an entry for this variant (Variation ID: 1042070). Experimental studies and prediction algorithms are not available or were not evaluated, and the functional significance of this variant is currently unknown. In summary, the available evidence is currently insufficient to determine the role of this variant in disease. Therefore, it has been classified as a Variant of Uncertain Significance.

Ambry Genetics
Classification: Uncertain significance for Cardiovascular phenotype. Last evaluated: 2025-04-03. Review status: criteria provided, single submitter. Criteria: Ambry Variant Classification Scheme 2023. Collection method: clinical testing. Allele origin: germline.
Comment: The p.G552S variant (also known as c.1654G>A), located in coding exon 9 of the LDB3 gene, results from a G to A substitution at nucleotide position 1654. The glycine at codon 552 is replaced by serine, an amino acid with similar properties. This amino acid position is well conserved in available vertebrate species. In addition, the in silico prediction for this alteration is inconclusive. Based on the available evidence, the clinical significance of this variant remains unclear.

CeGaT Center for Human Genetics Tuebingen
Classification: Uncertain significance. Last evaluated: 2024-07-01. Review status: criteria provided, single submitter. Criteria: CeGaT Center For Human Genetics Tuebingen Variant Classification Criteria Version 2. Collection method: clinical testing. Allele origin: germline. Affected: yes. Observed: 1 variant allele.